The following is an entry in ClinVar:

NM_003114.5(SPAG1):c.1975A>C (p.Ile659Leu)

Gene: SPAG1 (sperm associated antigen 1; plus strand). Cytogenetic location: 8q22.2.
Variant type: single nucleotide variant.
Coding change: c.1975A>C on transcript NM_003114.5 (MANE Select); coding-DNA position 1975, A replaced by C.
Protein change: p.Ile659Leu; replaces isoleucine 659 with leucine.
Molecular consequence: missense variant.
Genome position (GRCh38, 1-based): chr8:100,231,275, A>C. VCF-style: chr8-100231275-A-C. GRCh37 (hg19) VCF-style: chr8-101243503-A-C.
Other names: c.1975A>C, p.Ile659Leu (NM_172218.3, NM_001374321.1); short protein forms I659L.
Identifiers: ClinVar variation 3667196 (VCV003667196.2).

ClinVar aggregate classification (germline): Uncertain significance (1 of 4 stars; one submission).

Conditions:
Primary ciliary dyskinesia 28. Also called: CILIARY DYSKINESIA, PRIMARY, 28, WITH OR WITHOUT SITUS INVERSUS. Identifiers: Orphanet 244, MedGen C3809706, MONDO:0014216, OMIM 615505.

gnomAD v4.1: 13 of 1,561,022 alleles (0.00083%); highest among the groups gnomAD compares: African/African-American, 0.018%; no homozygotes.

Submission:

Labcorp Genetics (formerly Invitae), Labcorp
Classification: Uncertain significance for Primary ciliary dyskinesia 28. Last evaluated: 2024-11-19. Review status: criteria provided, single submitter. Criteria: Invitae Variant Classification Sherloc (09022015). Collection method: clinical testing. Allele origin: germline.
Comment: This sequence change replaces isoleucine, which is neutral and non-polar, with leucine, which is neutral and non-polar, at codon 659 of the SPAG1 protein (p.Ile659Leu). This variant is present in population databases (rs780404313, gnomAD 0.03%). This variant has not been reported in the literature in individuals affected with SPAG1-related conditions. Invitae Evidence Modeling of protein sequence and biophysical properties (such as structural, functional, and spatial information, amino acid conservation, physicochemical variation, residue mobility, and thermodynamic stability) indicates that this missense variant is not expected to disrupt SPAG1 protein function with a negative predictive value of 80%. In summary, the available evidence is currently insufficient to determine the role of this variant in disease. Therefore, it has been classified as a Variant of Uncertain Significance.